The following is an entry in ClinVar:

ClinVar aggregate classification (germline): Pathogenic (1 of 4 stars; one submission).

Conditions:
Duchenne muscular dystrophy (DMD). Also called: Duchenne Muscular Dystrophy (DMD); MUSCULAR DYSTROPHY, PSEUDOHYPERTROPHIC PROGRESSIVE, DUCHENNE TYPE. Identifiers: Orphanet 98896, MedGen C0013264, MONDO:0010679, OMIM 310200.

Submission:

Labcorp Genetics (formerly Invitae), Labcorp
Classification: Pathogenic for Duchenne muscular dystrophy. Last evaluated: 2022-03-15. Review status: criteria provided, single submitter. Criteria: Invitae Variant Classification Sherloc (09022015). Collection method: clinical testing. Allele origin: germline.
Comment: For these reasons, this variant has been classified as Pathogenic. This variant disrupts a region of the DMD protein in which other variant(s) (Deletion (Exon 48)) have been determined to be pathogenic (PMID: 2063877, 9007319, 25482253, 28247318). This suggests that this is a clinically significant region of the protein, and that variants that disrupt it are likely to be disease-causing. This variant has not been reported in the literature in individuals affected with DMD-related conditions. This variant results in the deletion of exons 46-50 and part of exon 45 (c.6577_7309+22859delinsGAAGCAG) of the DMD gene. It is expected to disrupt RNA splicing. Variants that disrupt the donor or acceptor splice site typically lead to a loss of protein function (PMID: 16199547), and loss-of-function variants in DMD are known to be pathogenic (PMID: 16770791, 25007885).

Literature cited by the submitters: PubMed 2063877; PubMed 9007319; PubMed 25482253; PubMed 28247318; PubMed 16199547; PubMed 16770791; PubMed 25007885.

NC_000023.10:g.(?_31815232)_(31986493_?)del

Gene: DMD (dystrophin; minus strand). Cytogenetic location: Xp21.1.
Variant type: Deletion.
Identifiers: ClinVar variation 2425005 (VCV002425005.5).